The following is an entry in ClinVar:

NM_014915.3(ANKRD26):c.2421G>A (p.Thr807=)

Gene: ANKRD26 (ankyrin repeat domain 26; minus strand). Cytogenetic location: 10p12.1.
Variant type: single nucleotide variant.
Coding change: c.2421G>A on transcript NM_014915.3 (MANE Select); coding-DNA position 2421, G replaced by A.
Protein change: p.Thr807=; no amino-acid change (threonine 807 retained).
Molecular consequence: synonymous variant.
Genome position (GRCh38, 1-based): chr10:27,038,009, C>T on the plus strand (G>A on the coding strand, the complement: ANKRD26 is on the minus strand). VCF-style: chr10-27038009-C-T. GRCh37 (hg19) VCF-style: chr10-27326938-C-T.
Other names: c.2418G>A, p.Thr806= (NM_001256053.2).
Identifiers: ClinVar variation 2057309 (VCV002057309.9), dbSNP rs184702576, ClinGen allele CA5448223.
Genomic context (GRCh38, chr10:27,038,009, plus strand): 5'-AACTTCTTTCCTATATTGCTCTTCTTTTCTTCTTAACTGTTCCCTAATTTTTTCATACAA[C>T]GTATCAGCATTTCTTCTCTTCTCTTCTTCTTGGTTTAAGCTAAATCTGCAGTTAAATATG-3'
Protein context (NP_055730.2, residues 797-817): QEEEKRRNAD[Thr807=]LYEKIREQLR

ClinVar aggregate classification (germline): Likely benign. Review status: criteria provided, multiple submitters, no conflicts (2 of 4 stars). 5 submissions from 5 submitters: Likely benign (4). 1 of the submissions does not count toward it. Last evaluated 2025-12-08.

Conditions:
Inborn genetic diseases. Identifiers: MedGen C0950123, MeSH D030342.
Thrombocytopenia 2 (THC2). Also called: ANKRD26-Related Thrombocytopenia. Identifiers: Orphanet 268322, MedGen C1861185, MONDO:0008555, OMIM 188000.
ANKRD26-related disorder. Also called: ANKRD26-related condition.

Allele frequency attached by ClinVar (database versions not stated): ExAC 0.00018; gnomAD 0.00026; TOPMed 0.00026; ESP Exome Variant Server 0.00034; 1000 Genomes Project 30x 0.00047; 1000 Genomes Project 0.00060.
gnomAD v4.1: 112 of 1,612,136 alleles (0.0069%); highest among the groups gnomAD compares: African/African-American, 0.073%; no homozygotes.

Submissions (5):

Labcorp Genetics (formerly Invitae), Labcorp
Classification: Likely benign. Last evaluated: 2025-12-08. Review status: criteria provided, single submitter. Criteria: Invitae Variant Classification Sherloc (09022015). Collection method: clinical testing. Allele origin: germline.

Ambry Genetics
Classification: Likely benign for Inborn genetic diseases. Last evaluated: 2024-11-27. Review status: criteria provided, single submitter. Criteria: Ambry Variant Classification Scheme 2023. Collection method: clinical testing. Allele origin: germline.

ARUP Laboratories, Molecular Genetics and Genomics, ARUP Laboratories
Classification: Likely benign for Thrombocytopenia 2. Last evaluated: 2024-07-30. Review status: criteria provided, single submitter. Criteria: ARUP Molecular Germline Variant Investigation Process 2024. Collection method: clinical testing. Allele origin: germline.

Blueprint Genetics
Classification: Likely benign. Last evaluated: 2023-09-14. Review status: criteria provided, single submitter. Criteria: ACMG Guidelines, 2015. Collection method: clinical testing. Allele origin: germline.

PreventionGenetics, part of Exact Sciences
Classification: Likely benign for ANKRD26-related condition. Last evaluated: 2021-02-22. Review status: no assertion criteria provided. Collection method: clinical testing. Allele origin: germline. Not counted in ClinVar's aggregate classification.
Comment: This variant is classified as likely benign based on ACMG/AMP sequence variant interpretation guidelines (Richards et al. 2015 PMID: 25741868, with internal and published modifications).